The following is an entry in ClinVar:

NM_000260.4(MYO7A):c.5464A>C (p.Thr1822Pro)

Gene: MYO7A (myosin VIIA; plus strand). Cytogenetic location: 11q13.5.
Variant type: single nucleotide variant.
Coding change: c.5464A>C on transcript NM_000260.4 (MANE Select); coding-DNA position 5464, A replaced by C.
Protein change: p.Thr1822Pro; replaces threonine 1822 with proline.
Molecular consequence: missense variant.
Genome position (GRCh38, 1-based): chr11:77,204,213, A>C. VCF-style: chr11-77204213-A-C. GRCh37 (hg19) VCF-style: chr11-76915258-A-C.
Other names: c.5350A>C, p.Thr1784Pro (NM_001127180.2); c.5317A>C, p.Thr1773Pro (NM_001369365.1); short protein forms T1822P, T1773P, T1784P.
Identifiers: ClinVar variation 178921 (VCV000178921.4), dbSNP rs727504541, ClinGen allele CA278738.

ClinVar aggregate classification (germline): Likely pathogenic (1 of 4 stars; one submission).

Conditions:
Rare genetic deafness. Identifiers: Orphanet 96210, MedGen C5680250.

Submission:

Laboratory for Molecular Medicine, Mass General Brigham Personalized Medicine
Classification: Likely pathogenic for Rare genetic deafness. Last evaluated: 2013-06-21. Review status: criteria provided, single submitter. Criteria: LMM Criteria. Collection method: clinical testing. Allele origin: germline. Inheritance: Autosomal recessive inheritance. Observed: 1 variant allele.
Comment: The Thr1822Pro variant in MYO7A has not been reported in individuals affected wi th hearing loss or Usher syndrome. This variant has also not been identified in large European American and African American populations by the NHLBI Exome Sequ encing Project, which increases the likelihoo d that the variant is pathogenic. However, we cannot exclude that it may be comm on in other populations. Computational analyses (biochemical amino acid properti es, conservation, AlignGVGD, PolyPhen2, and SIFT) suggest that the variant may i mpact the protein, though this information alone is not predictive enough to det ermine pathogenicity. In summary, due to its absence in the g eneral population, the computational data, and its presence in trans with a path ogenic variant in an affected individual, this variant is likely to be pathogeni c, though additional studies are required to fully establish its clinical signif icance.